The following is an entry in ClinVar:

NM_016507.4(CDK12):c.502A>C (p.Lys168Gln)

Genes: CDK12 (cyclin dependent kinase 12; plus strand), LOC126862553 (CDK7 strongly-dependent group 2 enhancer GRCh37_chr17:37618166-37619365; plus strand). Cytogenetic location: 17q12.
Variant type: single nucleotide variant.
Coding change: c.502A>C on transcript NM_016507.4 (MANE Select); coding-DNA position 502, A replaced by C.
Protein change: p.Lys168Gln; replaces lysine 168 with glutamine.
Molecular consequence: missense variant.
Genome position (GRCh38, 1-based): chr17:39,462,573, A>C. VCF-style: chr17-39462573-A-C. GRCh37 (hg19) VCF-style: chr17-37618826-A-C.
Other names: c.502A>C, p.Lys168Gln (NM_015083.4); short protein forms K168Q.
Identifiers: ClinVar variation 4868493 (VCV004868493.1).

ClinVar aggregate classification (germline): Uncertain significance (1 of 4 stars; one submission).

Submission:

Ambry Genetics
Classification: Uncertain significance. Last evaluated: 2026-04-18. Review status: criteria provided, single submitter. Criteria: Ambry Variant Classification Scheme 2023. Collection method: clinical testing. Allele origin: germline.
Comment: The p.K168Q variant (also known as c.502A>C), located in coding exon 1 of the CDK12 gene, results from an A to C substitution at nucleotide position 502. The lysine at codon 168 is replaced by glutamine, an amino acid with similar properties. This amino acid position is conserved. In addition, this alteration is predicted to be tolerated by in silico analysis. Based on the available evidence, the clinical significance of this variant remains unclear.